The following is an entry in ClinVar:

NM_000327.4(ROM1):c.58G>A (p.Gly20Arg)

Gene: ROM1 (retinal outer segment membrane protein 1; plus strand). Cytogenetic location: 11q12.3.
Variant type: single nucleotide variant.
Coding change: c.58G>A on transcript NM_000327.4 (MANE Select); coding-DNA position 58, G replaced by A.
Protein change: p.Gly20Arg; replaces glycine 20 with arginine.
Molecular consequence: missense variant.
Genome position (GRCh38, 1-based): chr11:62,613,339, G>A. VCF-style: chr11-62613339-G-A. GRCh37 (hg19) VCF-style: chr11-62380811-G-A.
Other names: short protein forms G20R.
Identifiers: ClinVar variation 1719799 (VCV001719799.5), dbSNP rs2496219869, ClinGen allele CA380968123.
Genomic context (GRCh38, chr11:62,613,339, plus strand): 5'-GAGATGGCGCCGGTGTTGCCCCTGGTGCTGCCCCTGCAGCCCCGCATCCGCCTGGCACAA[G>A]GGCTCTGGCTCCTCTCCTGGCTGCTGGCGCTGGCTGGTGGCGTCATCCTCCTCTGTAGTG-3'
Protein context (NP_000318.2, residues 10-30): PLQPRIRLAQ[Gly20Arg]LWLLSWLLAL

ClinVar aggregate classification (germline): Uncertain significance (1 of 4 stars; one submission).

Submission:

Labcorp Genetics (formerly Invitae), Labcorp
Classification: Uncertain significance. Last evaluated: 2022-09-26. Review status: criteria provided, single submitter. Criteria: Invitae Variant Classification Sherloc (09022015). Collection method: clinical testing. Allele origin: germline.
Comment: In summary, the available evidence is currently insufficient to determine the role of this variant in disease. Therefore, it has been classified as a Variant of Uncertain Significance. Advanced modeling of protein sequence and biophysical properties (such as structural, functional, and spatial information, amino acid conservation, physicochemical variation, residue mobility, and thermodynamic stability) performed at Invitae indicates that this missense variant is not expected to disrupt ROM1 protein function. This variant has not been reported in the literature in individuals affected with ROM1-related conditions. This variant is not present in population databases (gnomAD no frequency). This sequence change replaces glycine, which is neutral and non-polar, with arginine, which is basic and polar, at codon 20 of the ROM1 protein (p.Gly20Arg).